The following is an entry in ClinVar:

NM_000264.5(PTCH1):c.2315G>A (p.Arg772Lys)

Genes: PTCH1 (patched 1; minus strand), LOC100507346 (uncharacterized LOC100507346; plus strand). Cytogenetic location: 9q22.32.
Variant type: single nucleotide variant.
Coding change: c.2315G>A on transcript NM_000264.5 (MANE Select); coding-DNA position 2315, G replaced by A.
Protein change: p.Arg772Lys; replaces arginine 772 with lysine.
Molecular consequence: missense variant. On other transcripts: non-coding transcript variant (1).
Genome position (GRCh38, 1-based): chr9:95,467,361, C>T on the plus strand (G>A on the coding strand, the complement: PTCH1 is on the minus strand). VCF-style: chr9-95467361-C-T. GRCh37 (hg19) VCF-style: chr9-98229643-C-T.
Other names: c.2117G>A, p.Arg706Lys (NM_001083602.3); c.2312G>A, p.Arg771Lys (NM_001083603.3); c.1862G>A, p.Arg621Lys (NM_001083604.3, NM_001083605.3, NM_001083606.3 and 1 more transcripts); c.2159G>A, p.Arg720Lys (NM_001354918.2); short protein forms R621K, R720K, R771K, R772K, R706K.
Identifiers: ClinVar variation 839166 (VCV000839166.10), dbSNP rs1840106487, ClinGen allele CA374114625.
Genomic context (GRCh38, chr9:95,467,361, plus strand): 5'-GCAATAAAGTCATATTCTCTGGTTTCCCGAGGTACAATGTCCGTAAGGTCCAGCCCGTCT[C>T]TCACTCGGGTGGTGCCATAAAGGCTGACCCCCAGCAAGCCCAGAAAAAGGAAGATCACCA-3'
Protein context (NP_000255.2, residues 762-782): GVSLYGTTRV[Arg772Lys]DGLDLTDIVP

ClinVar aggregate classification (germline): Uncertain significance (1 of 4 stars; one submission).

Conditions:
Gorlin syndrome. Also called: Basal cell nevus syndrome; Nevoid Basal Cell Carcinoma Syndrome. Identifiers: Orphanet 377, MedGen C0004779, MONDO:0007187.

Submission:

Labcorp Genetics (formerly Invitae), Labcorp
Classification: Uncertain significance for Gorlin syndrome. Last evaluated: 2019-01-29. Review status: criteria provided, single submitter. Criteria: Invitae Variant Classification Sherloc (09022015). Collection method: clinical testing. Allele origin: germline.
Comment: In summary, the available evidence is currently insufficient to determine the role of this variant in disease. Therefore, it has been classified as a Variant of Uncertain Significance. Algorithms developed to predict the effect of missense changes on protein structure and function (SIFT, PolyPhen-2, Align-GVGD) all suggest that this variant is likely to be tolerated, but these predictions have not been confirmed by published functional studies and their clinical significance is uncertain. This variant has not been reported in the literature in individuals with PTCH1-related conditions. This variant is not present in population databases (ExAC no frequency). This sequence change replaces arginine with lysine at codon 772 of the PTCH1 protein (p.Arg772Lys). The arginine residue is moderately conserved and there is a small physicochemical difference between arginine and lysine.